The following is an entry in ClinVar:

ClinVar aggregate classification (germline): Uncertain significance (1 of 4 stars; one submission).

Allele frequency attached by ClinVar (database versions not stated): TOPMed below 0.00001.

Submission:

Labcorp Genetics (formerly Invitae), Labcorp
Classification: Uncertain significance. Last evaluated: 2022-03-20. Review status: criteria provided, single submitter. Criteria: Invitae Variant Classification Sherloc (09022015). Collection method: clinical testing. Allele origin: germline.
Comment: In summary, the available evidence is currently insufficient to determine the role of this variant in disease. Therefore, it has been classified as a Variant of Uncertain Significance. Algorithms developed to predict the effect of missense changes on protein structure and function (SIFT, PolyPhen-2, Align-GVGD) all suggest that this variant is likely to be tolerated. This variant has not been reported in the literature in individuals affected with IMPG2-related conditions. This variant is not present in population databases (gnomAD no frequency). This sequence change replaces histidine, which is basic and polar, with arginine, which is basic and polar, at codon 1131 of the IMPG2 protein (p.His1131Arg).

NM_016247.4(IMPG2):c.3392A>G (p.His1131Arg)

Gene: IMPG2 (interphotoreceptor matrix proteoglycan 2; minus strand). Cytogenetic location: 3q12.3.
Variant type: single nucleotide variant.
Coding change: c.3392A>G on transcript NM_016247.4 (MANE Select); coding-DNA position 3392, A replaced by G.
Protein change: p.His1131Arg; replaces histidine 1131 with arginine.
Molecular consequence: missense variant.
Genome position (GRCh38, 1-based): chr3:101,230,987, T>C on the plus strand (A>G on the coding strand, the complement: IMPG2 is on the minus strand). VCF-style: chr3-101230987-T-C. GRCh37 (hg19) VCF-style: chr3-100949831-T-C.
Other names: short protein forms H1131R.
Identifiers: ClinVar variation 2115281 (VCV002115281.4), dbSNP rs1180475591, ClinGen allele CA353848321.
Genomic context (GRCh38, chr3:101,230,987, plus strand): 5'-TTCCATTAGAGAGCTCTTTTCCTTATTTACCTGAAGGGACTCTCTCTTTCACTCCTGTCA[T>C]GGTGTGCTTGGAGAGTCCTGATGAAGAAGTAGATGATAGCAGAAAAGATGACAAGAAGTC-3'
Protein context (NP_057331.2, residues 1121-1141): YFFIRTLQAH[His1131Arg]DRSERESPFS